The following is an entry in ClinVar:

NM_024408.4(NOTCH2):c.1789C>A (p.Pro597Thr)

Gene: NOTCH2 (notch receptor 2; minus strand). Cytogenetic location: 1p12.
Variant type: single nucleotide variant.
Coding change: c.1789C>A on transcript NM_024408.4 (MANE Select); coding-DNA position 1789, C replaced by A.
Protein change: p.Pro597Thr; replaces proline 597 with threonine.
Molecular consequence: missense variant.
Genome position (GRCh38, 1-based): chr1:119,963,700, G>T on the plus strand (C>A on the coding strand, the complement: NOTCH2 is on the minus strand). VCF-style: chr1-119963700-G-T. GRCh37 (hg19) VCF-style: chr1-120506323-G-T.
Other names: c.1789C>A, p.Pro597Thr (NM_001200001.2); short protein forms P597T.
Identifiers: ClinVar variation 2636658 (VCV002636658.1), dbSNP rs782142056, ClinGen allele CA341873428.

ClinVar aggregate classification (germline): Uncertain significance (1 of 4 stars; one submission).

Conditions:
NOTCH2-related disorder. Also called: NOTCH2-related condition.

Submission:

PreventionGenetics, part of Exact Sciences
Classification: Uncertain significance for NOTCH2-related condition. Last evaluated: 2022-09-06. Review status: criteria provided, single submitter. Criteria: ACMG Guidelines, 2015. Collection method: clinical testing. Allele origin: germline.
Comment: The NOTCH2 c.1789C>A variant is predicted to result in the amino acid substitution p.Pro597Thr. To our knowledge, this variant has not been reported in the literature or in a large population database, indicating this variant is rare. At this time, the clinical significance of this variant is uncertain due to the absence of conclusive functional and genetic evidence.